The following is an entry in ClinVar:

NM_003072.5(SMARCA4):c.3728G>T (p.Arg1243Leu)

Gene: SMARCA4 (SWI/SNF related BAF chromatin remodeling complex subunit ATPase 4; plus strand). Cytogenetic location: 19p13.2.
Variant type: single nucleotide variant.
Coding change: c.3728G>T on transcript NM_003072.5 (MANE Select); coding-DNA position 3728, G replaced by T.
Protein change: p.Arg1243Leu; replaces arginine 1243 with leucine.
Molecular consequence: missense variant. On other transcripts: non-coding transcript variant (1).
Genome position (GRCh38, 1-based): chr19:11,033,471, G>T. VCF-style: chr19-11033471-G-T. GRCh37 (hg19) VCF-style: chr19-11144147-G-T.
Other names: c.3728G>T, p.Arg1243Leu (NM_001128844.3, NM_001128845.2, NM_001128846.2 and 6 more transcripts); short protein forms R1243L.
Identifiers: ClinVar variation 4530265 (VCV004530265.1).

ClinVar aggregate classification (somatic clinical impact): Tier I - Strong (1 of 4 stars; one submission).

Conditions:
Medulloblastoma WNT activated. Identifiers: MedGen C4331965, MONDO:0850196.

Submission:

Institute for Genomic Medicine (IGM) Clinical Laboratory, Nationwide Children's Hospital
Classification: Tier I - Strong for Medulloblastoma WNT activated. Assertion type: diagnostic. Clinical significance: supports diagnosis. Last evaluated: 2022-12-20. Review status: criteria provided, single submitter. Criteria: AMP/ASCO/CAP Guidelines, 2017. Collection method: clinical testing. Allele origin: somatic. Affected: yes.
Comment: Variant has Tier I (strong) clinical significance as a diagnostic inclusion criterion in medulloblastoma WNT activated, based on the following evidence: 1) Documented in one or more cancer databases (e.g., St. Jude Pecan, COSMIC, CIViC, OncoKB). 2) Appears in one or more well-established professional guidelines (e.g., World Health Organization [WHO]; National Comprehensive Cancer Network [NCCN]) as providing diagnostic, prognostic, or therapeutic information. 3) Information in the literature supports potential biologic effect of variant (PMID: 33144586). 4) Diagnostic for a specific tumor type/classification based on well-powered studies with expert-level consensus (Evidence Level B; PMIDs: 21163964, 28726821, 22820256, 22832583, 22722829).

Literature cited by the submitters: PubMed 33144586; PubMed 21163964; PubMed 28726821; PubMed 22820256; PubMed 22832583; PubMed 22722829.